The following is an entry in ClinVar:

NM_001709.5(BDNF):c.-21-15634T>C

Genes: BDNF (brain derived neurotrophic factor; minus strand), BDNF-AS (BDNF antisense RNA; plus strand). Cytogenetic location: 11p14.1.
Variant type: single nucleotide variant.
Coding change: c.-21-15634T>C on transcript NM_001709.5 (MANE Select); 15634 bases into the intron before 21 bases upstream of the start codon, T replaced by C.
Molecular consequence: intron variant. On other transcripts: synonymous variant (1), 5 prime UTR variant (1).
Genome position (GRCh38, 1-based): chr11:27,674,219, A>G on the plus strand (T>C on the coding strand, the complement: BDNF is on the minus strand). VCF-style: chr11-27674219-A-G. GRCh37 (hg19) VCF-style: chr11-27695766-A-G.
Other names: c.66T>C, p.Ala22= (NM_001143810.2); c.-298T>C (NM_001143811.2); c.4-15634T>C (NM_170731.5); c.-21-15634T>C (NM_001143805.1, NM_001143806.1, NM_170732.4 and 5 more transcripts); c.67-15634T>C (NM_001143809.2); c.-128-15293T>C (NM_001143814.2); c.25-15634T>C (NM_170734.4).
Identifiers: ClinVar variation 3356595 (VCV003356595.1).

ClinVar aggregate classification (germline): Likely benign (0 of 4 stars; one submission).

Conditions:
BDNF-related disorder. Also called: BDNF-related condition.

gnomAD v4.1: 8 of 1,599,140 alleles (0.0005%); highest among the groups gnomAD compares: Admixed American, 0.012%; no homozygotes.

Submission:

PreventionGenetics, part of Exact Sciences
Classification: Likely benign for BDNF-related condition. Last evaluated: 2022-05-29. Review status: no assertion criteria provided. Collection method: clinical testing. Allele origin: germline.
Comment: This variant is classified as likely benign based on ACMG/AMP sequence variant interpretation guidelines (Richards et al. 2015 PMID: 25741868, with internal and published modifications).